The following is an entry in ClinVar:

NM_152564.5(VPS13B):c.559C>T (p.Arg187Cys)

Gene: VPS13B (vacuolar protein sorting 13 homolog B; plus strand). Cytogenetic location: 8q22.2.
Variant type: single nucleotide variant.
Coding change: c.559C>T on transcript NM_152564.5 (MANE Select); coding-DNA position 559, C replaced by T.
Protein change: p.Arg187Cys; replaces arginine 187 with cysteine.
Molecular consequence: missense variant. On other transcripts: non-coding transcript variant (1).
Genome position (GRCh38, 1-based): chr8:99,103,099, C>T. VCF-style: chr8-99103099-C-T. GRCh37 (hg19) VCF-style: chr8-100115327-C-T.
Other names: c.559C>T, p.Arg187Cys (NM_015243.3, NM_017890.5, NM_181661.3); c.559C>T (NM_152564.4, NM_017890.3); short protein forms R187C.
Identifiers: ClinVar variation 570075 (VCV000570075.14), dbSNP rs367561688, ClinGen allele CA4822409.

ClinVar aggregate classification (germline): Uncertain significance. Review status: criteria provided, multiple submitters, no conflicts (2 of 4 stars). 5 submissions from 5 submitters: Uncertain significance (4). 1 of the submissions does not count toward it. Last evaluated 2025-08-29.

Conditions:
Cohen syndrome (COH1). Also called: PEPPER SYNDROME; Cutis verticis gyrata, retinitis pigmentosa, and sensorineural deafness. Identifiers: Orphanet 193, MedGen C0265223, MONDO:0008999, OMIM 216550.
VPS13B-related disorder. Also called: VPS13B-related condition.

Allele frequency attached by ClinVar (database versions not stated): gnomAD exomes 0.00002 and 0.00004; ESP Exome Variant Server 0.00008; gnomAD 0.00001; TOPMed 0.00001; ExAC 0.00002.
gnomAD v4.1: 58 of 1,613,762 alleles (0.0036%); highest among the groups gnomAD compares: Non-Finnish European, 0.0047%; no homozygotes.

Submissions (5):

PreventionGenetics, part of Exact Sciences
Classification: Uncertain significance for VPS13B-related condition. Last evaluated: 2025-08-29. Review status: criteria provided, single submitter. Criteria: ACMG Guidelines, 2015. Collection method: clinical testing. Allele origin: germline.
Comment: The VPS13B c.559C>T variant is predicted to result in the amino acid substitution p.Arg187Cys. To our knowledge, this variant has not been reported in the literature. This variant is reported in 0.0035% of alleles in individuals of European (Non-Finnish) descent in gnomAD. At this time, the clinical significance of this variant is uncertain due to the absence of conclusive functional and genetic evidence.

GeneDx
Classification: Uncertain significance. Last evaluated: 2024-10-17. Review status: criteria provided, single submitter. Criteria: GeneDx Variant Classification Process June 2021. Collection method: clinical testing. Allele origin: germline. Affected: yes.
Comment: Not observed at significant frequency in large population cohorts (gnomAD); In silico analysis supports that this missense variant has a deleterious effect on protein structure/function; Has not been previously published as pathogenic or benign to our knowledge

Labcorp Genetics (formerly Invitae), Labcorp
Classification: Uncertain significance for Cohen syndrome. Last evaluated: 2022-08-13. Review status: criteria provided, single submitter. Criteria: Invitae Variant Classification Sherloc (09022015). Collection method: clinical testing. Allele origin: germline.
Comment: This sequence change replaces arginine, which is basic and polar, with cysteine, which is neutral and slightly polar, at codon 187 of the VPS13B protein (p.Arg187Cys). This variant is present in population databases (rs367561688, gnomAD 0.004%). This variant has not been reported in the literature in individuals affected with VPS13B-related conditions. ClinVar contains an entry for this variant (Variation ID: 570075). Algorithms developed to predict the effect of missense changes on protein structure and function are either unavailable or do not agree on the potential impact of this missense change (SIFT: "Not Available"; PolyPhen-2: "Possibly Damaging"; Align-GVGD: "Not Available"). In summary, the available evidence is currently insufficient to determine the role of this variant in disease. Therefore, it has been classified as a Variant of Uncertain Significance.

Blueprint Genetics
Classification: Uncertain significance. Last evaluated: 2021-03-09. Review status: criteria provided, single submitter. Criteria: ACMG Guidelines, 2015. Collection method: clinical testing. Allele origin: germline.

Natera, Inc.
Classification: Uncertain significance for Cohen syndrome. Last evaluated: 2019-11-11. Review status: no assertion criteria provided. Collection method: clinical testing. Allele origin: germline. Not counted in ClinVar's aggregate classification.